The following is an entry in ClinVar:

ClinVar aggregate classification (germline): Benign/Likely benign. Review status: criteria provided, multiple submitters, no conflicts (2 of 4 stars). 10 submissions from 10 submitters: Benign (1); Likely benign (4). 5 of the submissions do not count toward it. Last evaluated 2026-02-01.

Conditions:
Arrhythmogenic right ventricular dysplasia 13. Also called: ARRHYTHMOGENIC RIGHT VENTRICULAR CARDIOMYOPATHY 13; Arrhythmogenic right ventricular dysplasia, familial, 13. Identifiers: MedGen C3810138, MONDO:0000908, OMIM 615616.

Allele frequency attached by ClinVar (database versions not stated): TOPMed 0.00050; gnomAD 0.00053 and 0.00055; gnomAD exomes 0.00053 and 0.00106; ExAC 0.00061; ESP Exome Variant Server 0.00100.
gnomAD v4.1: 1,592 of 1,614,088 alleles (0.099%); highest among the groups gnomAD compares: Non-Finnish European, 0.13%; 1 homozygote.

Submissions (10):

Labcorp Genetics (formerly Invitae), Labcorp
Classification: Benign for Arrhythmogenic right ventricular dysplasia 13. Last evaluated: 2026-02-01. Review status: criteria provided, single submitter. Criteria: Invitae Variant Classification Sherloc (09022015). Collection method: clinical testing. Allele origin: germline.

CeGaT Center for Human Genetics Tuebingen
Classification: Likely benign. Last evaluated: 2025-02-01. Review status: criteria provided, single submitter. Criteria: CeGaT Center For Human Genetics Tuebingen Variant Classification Criteria Version 2. Collection method: clinical testing. Allele origin: germline. Affected: yes. Observed: 3 variant alleles.
Comment: CTNNA3: BP4, BP7

Blueprint Genetics
Classification: Likely benign. Last evaluated: 2024-11-20. Review status: criteria provided, single submitter. Criteria: ACMG Guidelines, 2015. Collection method: clinical testing. Allele origin: germline.

Ambry Genetics
Classification: Likely benign. Last evaluated: 2022-03-04. Review status: criteria provided, single submitter. Criteria: Ambry Variant Classification Scheme 2023. Collection method: clinical testing. Allele origin: germline.

GeneDx
Classification: Likely benign. Last evaluated: 2020-07-27. Review status: criteria provided, single submitter. Criteria: GeneDx Variant Classification Process June 2021. Collection method: clinical testing. Allele origin: germline. Affected: yes.

Clinical Genetics DNA and cytogenetics Diagnostics Lab, Erasmus MC, Erasmus Medical Center
Classification: Likely benign. Review status: no assertion criteria provided. Collection method: clinical testing. Allele origin: germline. Affected: yes. Study: VKGL Data-share Consensus. Not counted in ClinVar's aggregate classification.

Clinical Genetics, Academic Medical Center
Classification: Benign. Review status: no assertion criteria provided. Collection method: clinical testing. Allele origin: germline. Affected: yes. Study: VKGL Data-share Consensus. Not counted in ClinVar's aggregate classification.

Diagnostic Laboratory, Department of Genetics, University Medical Center Groningen
Classification: Likely benign. Review status: no assertion criteria provided. Collection method: clinical testing. Allele origin: germline. Affected: yes. Study: VKGL Data-share Consensus. Not counted in ClinVar's aggregate classification.

Genome Diagnostics Laboratory, University Medical Center Utrecht
Classification: Likely benign. Review status: no assertion criteria provided. Collection method: clinical testing. Allele origin: germline. Affected: yes. Study: VKGL Data-share Consensus. Not counted in ClinVar's aggregate classification.

Joint Genome Diagnostic Labs from Nijmegen and Maastricht, Radboudumc and MUMC+
Classification: Likely benign. Review status: no assertion criteria provided. Collection method: clinical testing. Allele origin: germline. Affected: yes. Study: VKGL Data-share Consensus. Not counted in ClinVar's aggregate classification.

NM_013266.4(CTNNA3):c.1929C>T (p.His643=)

Genes: CTNNA3 (catenin alpha 3; minus strand), CTNNA3-AS1 (CTNNA3 antisense RNA 1; plus strand). Cytogenetic location: 10q21.3.
Variant type: single nucleotide variant.
Coding change: c.1929C>T on transcript NM_013266.4 (MANE Select); coding-DNA position 1929, C replaced by T.
Protein change: p.His643=; no amino-acid change (histidine 643 retained).
Molecular consequence: synonymous variant.
Genome position (GRCh38, 1-based): chr10:66,103,205, G>A on the plus strand (C>T on the coding strand, the complement: CTNNA3 is on the minus strand). VCF-style: chr10-66103205-G-A. GRCh37 (hg19) VCF-style: chr10-67862963-G-A.
Other names: c.1929C>T, p.His643= (NM_001127384.3).
Identifiers: ClinVar variation 415369 (VCV000415369.41), dbSNP rs147760277, ClinGen allele CA5519757.